The following is an entry in ClinVar:

ClinVar aggregate classification (germline): Uncertain significance (1 of 4 stars; one submission).

gnomAD v4.1: 1 of 1,613,872 alleles (0.000062%); no homozygotes.

Submission:

Women's Health and Genetics/Laboratory Corporation of America, LabCorp
Classification: Uncertain significance. Last evaluated: 2024-09-24. Review status: criteria provided, single submitter. Criteria: LabCorp Variant Classification Summary - May 2015. Collection method: clinical testing. Allele origin: germline.
Comment: Variant summary: KIDINS220 c.1207G>A (p.Ala403Thr) results in a non-conservative amino acid change in the encoded protein sequence. Three of five in-silico tools predict a damaging effect of the variant on protein function. The variant allele was found at a frequency of 4e-06 in 249146 control chromosomes. The available data on variant occurrences in the general population are insufficient to allow any conclusion about variant significance. To our knowledge, no occurrence of c.1207G>A in individuals affected with Spastic Paraplegia, Intellectual Disability, Nystagmus, And Obesity and no experimental evidence demonstrating its impact on protein function have been reported. No submitters have cited clinical-significance assessments for this variant to ClinVar. Based on the evidence outlined above, the variant was classified as uncertain significance.

NM_020738.4(KIDINS220):c.1207G>A (p.Ala403Thr)

Gene: KIDINS220 (kinase D interacting substrate 220; minus strand). Cytogenetic location: 2p25.1.
Variant type: single nucleotide variant.
Coding change: c.1207G>A on transcript NM_020738.4 (MANE Select); coding-DNA position 1207, G replaced by A.
Protein change: p.Ala403Thr; replaces alanine 403 with threonine.
Molecular consequence: missense variant. On other transcripts: non-coding transcript variant (2).
Genome position (GRCh38, 1-based): chr2:8,793,879, C>T on the plus strand (G>A on the coding strand, the complement: KIDINS220 is on the minus strand). VCF-style: chr2-8793879-C-T. GRCh37 (hg19) VCF-style: chr2-8934009-C-T.
Other names: c.1210G>A, p.Ala404Thr (NM_001348729.2, NM_001348731.2, NM_001348734.2 and 3 more transcripts); c.1207G>A, p.Ala403Thr (NM_001348732.2, NM_001348735.2, NM_001348738.2 and 3 more transcripts); c.1081G>A, p.Ala361Thr (NM_001348736.2); short protein forms A361T, A403T, A404T.
Identifiers: ClinVar variation 3375225 (VCV003375225.1).
Genomic context (GRCh38, chr2:8,793,879, plus strand): 5'-ATATTTGAGTTAAAATACTCTTCTGATGGCTACAGTCAATATTATAAGGAGTCTCGCCTG[C>T]TTTGTTGGGCCTATAAAGTAATCGCCCATCTTTGGGATTTCTTAAAAGCAGTTCTGCCAG-3'
Protein context (NP_065789.1, residues 393-413): DGRLLYRPNK[Ala403Thr]GETPYNIDCS